The following is an entry in ClinVar:

NM_004273.5(CHST3):c.688G>T (p.Glu230Ter)

Gene: CHST3 (carbohydrate sulfotransferase 3; plus strand). Cytogenetic location: 10q22.1.
Variant type: single nucleotide variant.
Coding change: c.688G>T on transcript NM_004273.5 (MANE Select); coding-DNA position 688, G replaced by T.
Protein change: p.Glu230Ter; replaces glutamic acid 230 with a stop codon.
Molecular consequence: nonsense.
Genome position (GRCh38, 1-based): chr10:72,007,719, G>T. VCF-style: chr10-72007719-G-T. GRCh37 (hg19) VCF-style: chr10-73767477-G-T.
Other names: short protein forms E230*.
Identifiers: ClinVar variation 943571 (VCV000943571.10), dbSNP rs774599785, ClinGen allele CA377145893.

ClinVar aggregate classification (germline): Pathogenic/Likely pathogenic. Review status: criteria provided, multiple submitters, no conflicts (2 of 4 stars). 2 submissions from 2 submitters: Pathogenic (1); Likely pathogenic (1). Last evaluated 2023-09-09.

Conditions:
CHST3-related disorder. Also called: CHST3-related condition.
Spondyloepiphyseal dysplasia with congenital joint dislocations (SEDCJD). Also called: Chondrodysplasia with Congenital Joint Dislocations, CHST3-Related. Identifiers: Orphanet 263463, MedGen C1837657, MONDO:0007738, OMIM 143095.

Submissions (2):

Labcorp Genetics (formerly Invitae), Labcorp
Classification: Pathogenic for Spondyloepiphyseal dysplasia with congenital joint dislocations. Last evaluated: 2023-09-09. Review status: criteria provided, single submitter. Criteria: Invitae Variant Classification Sherloc (09022015). Collection method: clinical testing. Allele origin: germline.
Comment: For these reasons, this variant has been classified as Pathogenic. This variant is not present in population databases (gnomAD no frequency). This premature translational stop signal has been observed in individual(s) with clinical features of spondyloepiphyseal dysplasia (Invitae). ClinVar contains an entry for this variant (Variation ID: 943571). This variant disrupts a region of the CHST3 protein in which other variant(s) (p.Glu268*) have been determined to be pathogenic (PMID: 26572954). This suggests that this is a clinically significant region of the protein, and that variants that disrupt it are likely to be disease-causing. This sequence change creates a premature translational stop signal (p.Glu230*) in the CHST3 gene. While this is not anticipated to result in nonsense mediated decay, it is expected to disrupt the last 250 amino acid(s) of the CHST3 protein.

Blueprint Genetics
Classification: Likely pathogenic for CHST3-related disorders. Last evaluated: 2019-06-25. Review status: criteria provided, single submitter. Criteria: ACMG Guidelines, 2015. Collection method: clinical testing. Allele origin: germline. Affected: yes. Observed: 2 variant alleles.

Literature cited by the submitters: PubMed 26572954 (cited by Labcorp Genetics (formerly Invitae), Labcorp).